The following is an entry in ClinVar:

NM_004273.5(CHST3):c.853C>T (p.Pro285Ser)

Gene: CHST3 (carbohydrate sulfotransferase 3; plus strand). Cytogenetic location: 10q22.1.
Variant type: single nucleotide variant.
Coding change: c.853C>T on transcript NM_004273.5 (MANE Select); coding-DNA position 853, C replaced by T.
Protein change: p.Pro285Ser; replaces proline 285 with serine.
Molecular consequence: missense variant.
Genome position (GRCh38, 1-based): chr10:72,007,884, C>T. VCF-style: chr10-72007884-C-T. GRCh37 (hg19) VCF-style: chr10-73767642-C-T.
Other names: short protein forms P285S.
Identifiers: ClinVar variation 967303 (VCV000967303.6), dbSNP rs868146865, ClinGen allele CA209479277.

ClinVar aggregate classification (germline): Uncertain significance. Review status: criteria provided, multiple submitters, no conflicts (2 of 4 stars). 2 submissions from 2 submitters: Uncertain significance (2). Last evaluated 2023-12-19.

Conditions:
Inborn genetic diseases. Identifiers: MedGen C0950123, MeSH D030342.
Spondyloepiphyseal dysplasia with congenital joint dislocations (SEDCJD). Also called: Chondrodysplasia with Congenital Joint Dislocations, CHST3-Related. Identifiers: Orphanet 263463, MedGen C1837657, MONDO:0007738, OMIM 143095.

Allele frequency attached by ClinVar (database versions not stated): gnomAD 0.00001; gnomAD exomes 0.00001 and 0.00004; TOPMed 0.00005.
gnomAD v4.1: 11 of 1,587,796 alleles (0.00069%); highest among the groups gnomAD compares: Admixed American, 0.016%; no homozygotes.

Submissions (2):

Ambry Genetics
Classification: Uncertain significance for Inborn genetic diseases. Last evaluated: 2023-12-19. Review status: criteria provided, single submitter. Criteria: Ambry Variant Classification Scheme 2023. Collection method: clinical testing. Allele origin: germline.

Labcorp Genetics (formerly Invitae), Labcorp
Classification: Uncertain significance for Spondyloepiphyseal dysplasia with congenital joint dislocations. Last evaluated: 2022-02-05. Review status: criteria provided, single submitter. Criteria: Invitae Variant Classification Sherloc (09022015). Collection method: clinical testing. Allele origin: germline.
Comment: This sequence change replaces proline, which is neutral and non-polar, with serine, which is neutral and polar, at codon 285 of the CHST3 protein (p.Pro285Ser). This variant is present in population databases (no rsID available, gnomAD 0.02%). This variant has not been reported in the literature in individuals affected with CHST3-related conditions. ClinVar contains an entry for this variant (Variation ID: 967303). Algorithms developed to predict the effect of missense changes on protein structure and function are either unavailable or do not agree on the potential impact of this missense change (SIFT: "Deleterious"; PolyPhen-2: "Possibly Damaging"; Align-GVGD: "Class C0"). In summary, the available evidence is currently insufficient to determine the role of this variant in disease. Therefore, it has been classified as a Variant of Uncertain Significance.